The following is an entry in ClinVar:

NM_001164277.2(SLC37A4):c.403G>T (p.Gly135Cys)

Gene: SLC37A4 (solute carrier family 37 member 4; minus strand). Cytogenetic location: 11q23.3.
Variant type: single nucleotide variant.
Coding change: c.403G>T on transcript NM_001164277.2 (MANE Select); coding-DNA position 403, G replaced by T.
Protein change: p.Gly135Cys; replaces glycine 135 with cysteine.
Molecular consequence: missense variant.
Genome position (GRCh38, 1-based): chr11:119,027,851, C>A on the plus strand (G>T on the coding strand, the complement: SLC37A4 is on the minus strand). VCF-style: chr11-119027851-C-A. GRCh37 (hg19) VCF-style: chr11-118898561-C-A.
Other names: c.403G>T, p.Gly135Cys (NM_001164278.2, NM_001164280.2, NM_001467.6); c.184G>T, p.Gly62Cys (NM_001164279.2); short protein forms G135C, G62C.
Identifiers: ClinVar variation 3712320 (VCV003712320.3).

ClinVar aggregate classification (germline): Uncertain significance. Review status: criteria provided, multiple submitters, no conflicts (2 of 4 stars). 2 submissions from 2 submitters: Uncertain significance (2). Last evaluated 2025-08-20.

Conditions:
Glucose-6-phosphate transport defect (GSD1B). Also called: Glycogen Storage Disease Type Ib; GSD Ib. Identifiers: Orphanet 364, Orphanet 79259, MedGen C0268146, MONDO:0009288, OMIM 232220.
Inborn genetic diseases. Identifiers: MedGen C0950123, MeSH D030342.

Submissions (2):

Ambry Genetics
Classification: Uncertain significance for Inborn genetic diseases. Last evaluated: 2025-08-20. Review status: criteria provided, single submitter. Criteria: Ambry Variant Classification Scheme 2023. Collection method: clinical testing. Allele origin: germline.

Labcorp Genetics (formerly Invitae), Labcorp
Classification: Uncertain significance for Glucose-6-phosphate transport defect. Last evaluated: 2025-01-01. Review status: criteria provided, single submitter. Criteria: Invitae Variant Classification Sherloc (09022015). Collection method: clinical testing. Allele origin: germline.
Comment: This sequence change replaces glycine, which is neutral and non-polar, with cysteine, which is neutral and slightly polar, at codon 135 of the SLC37A4 protein (p.Gly135Cys). The frequency data for this variant in the population databases is considered unreliable, as metrics indicate poor data quality at this position in the gnomAD database. This variant has not been reported in the literature in individuals affected with SLC37A4-related conditions. Invitae Evidence Modeling of protein sequence and biophysical properties (such as structural, functional, and spatial information, amino acid conservation, physicochemical variation, residue mobility, and thermodynamic stability) indicates that this missense variant is expected to disrupt SLC37A4 protein function with a positive predictive value of 80%. In summary, the available evidence is currently insufficient to determine the role of this variant in disease. Therefore, it has been classified as a Variant of Uncertain Significance.